The following is an entry in ClinVar:

NM_031427.4(DNAL1):c.100A>G (p.Ile34Val)

Gene: DNAL1 (dynein axonemal light chain 1; plus strand). Cytogenetic location: 14q24.3.
Variant type: single nucleotide variant.
Coding change: c.100A>G on transcript NM_031427.4 (MANE Select); coding-DNA position 100, A replaced by G.
Protein change: p.Ile34Val; replaces isoleucine 34 with valine.
Molecular consequence: missense variant. On other transcripts: 5 prime UTR variant (1).
Genome position (GRCh38, 1-based): chr14:73,658,904, A>G. VCF-style: chr14-73658904-A-G. GRCh37 (hg19) VCF-style: chr14-74125607-A-G.
Other names: c.-18A>G (NM_001201366.2); short protein forms I34V.
Identifiers: ClinVar variation 4798802 (VCV004798802.2).

ClinVar aggregate classification (germline): Uncertain significance. Review status: criteria provided, multiple submitters, no conflicts (2 of 4 stars). 2 submissions from 2 submitters: Uncertain significance (2). Last evaluated 2025-10-21.

Conditions:
Primary ciliary dyskinesia 16. Also called: CILIARY DYSKINESIA, PRIMARY, 16, WITH OR WITHOUT SITUS INVERSUS. Identifiers: Orphanet 244, MedGen C3151460, MONDO:0013525, OMIM 614017.

gnomAD v4.1: 3 of 1,599,300 alleles (0.00019%); highest among the groups gnomAD compares: Non-Finnish European, 0.00026%; no homozygotes.

Submissions (2):

Labcorp Genetics (formerly Invitae), Labcorp
Classification: Uncertain significance for Primary ciliary dyskinesia 16. Last evaluated: 2025-10-21. Review status: criteria provided, single submitter. Criteria: Invitae Variant Classification Sherloc (09022015). Collection method: clinical testing. Allele origin: germline.
Comment: This sequence change replaces isoleucine, which is neutral and non-polar, with valine, which is neutral and non-polar, at codon 34 of the DNAL1 protein (p.Ile34Val). This variant is not present in population databases (gnomAD no frequency). This variant has not been reported in the literature in individuals affected with DNAL1-related conditions. An algorithm developed to predict the effect of missense changes on protein structure and function (PolyPhen-2) suggests that this variant is likely to be tolerated. In summary, the available evidence is currently insufficient to determine the role of this variant in disease. Therefore, it has been classified as a Variant of Uncertain Significance.

Blueprint Genetics
Classification: Uncertain significance. Last evaluated: 2022-10-18. Review status: criteria provided, single submitter. Criteria: ACMG Guidelines, 2015. Collection method: clinical testing. Allele origin: germline.